The following is an entry in ClinVar:

NM_015450.3(POT1):c.1141C>A (p.His381Asn)

Gene: POT1 (protection of telomeres 1; minus strand). Cytogenetic location: 7q31.33.
Variant type: single nucleotide variant.
Coding change: c.1141C>A on transcript NM_015450.3 (MANE Select); coding-DNA position 1141, C replaced by A.
Protein change: p.His381Asn; replaces histidine 381 with asparagine.
Molecular consequence: missense variant. On other transcripts: non-coding transcript variant (3).
Genome position (GRCh38, 1-based): chr7:124,842,829, G>T on the plus strand (C>A on the coding strand, the complement: POT1 is on the minus strand). VCF-style: chr7-124842829-G-T. GRCh37 (hg19) VCF-style: chr7-124482883-G-T.
Other names: c.748C>A, p.His250Asn (NM_001042594.2); short protein forms H381N, H250N.
Identifiers: ClinVar variation 3423099 (VCV003423099.1).

ClinVar aggregate classification (germline): Uncertain significance (1 of 4 stars; one submission).

Conditions:
Hereditary cancer-predisposing syndrome. Also called: Neoplastic Syndromes, Hereditary; Tumor predisposition; Hereditary Cancer Syndrome; Hereditary neoplastic syndrome. Identifiers: Orphanet 140162, MedGen C0027672, MeSH D009386, MONDO:0015356.

Submission:

Ambry Genetics
Classification: Uncertain significance for Hereditary cancer-predisposing syndrome. Last evaluated: 2024-07-03. Review status: criteria provided, single submitter. Criteria: Ambry Variant Classification Scheme 2023. Collection method: clinical testing. Allele origin: germline.
Comment: The p.H381N variant (also known as c.1141C>A), located in coding exon 9 of the POT1 gene, results from a C to A substitution at nucleotide position 1141. The histidine at codon 381 is replaced by asparagine, an amino acid with similar properties. This amino acid position is conserved. In addition, this alteration is predicted to be tolerated by in silico analysis. Based on the available evidence, the clinical significance of this variant remains unclear.